The following is an entry in ClinVar:

ClinVar aggregate classification (germline): Uncertain significance (1 of 4 stars; one submission).

Conditions:
Deficiency of ferroxidase (ACEP). Also called: Aceruloplasminemia; Ceruloplasmin deficiency; Familial apoceruloplasmin deficiency; Hereditary ceruloplasmin deficiency; NEURODEGENERATION WITH BRAIN IRON ACCUMULATION 10; Deficiency of ceruloplasmin. Identifiers: Orphanet 48818, MedGen C0878682, MONDO:0011426, OMIM 604290, HP:0025498.

Allele frequency attached by ClinVar (database versions not stated): gnomAD exomes below 0.00001; gnomAD 0.00001; TOPMed 0.00002.
gnomAD v4.1: 3 of 1,613,894 alleles (0.00019%); highest among the groups gnomAD compares: African/African-American, 0.0027%; no homozygotes.

Submission:

Labcorp Genetics (formerly Invitae), Labcorp
Classification: Uncertain significance for Deficiency of ferroxidase. Last evaluated: 2021-04-17. Review status: criteria provided, single submitter. Criteria: Invitae Variant Classification Sherloc (09022015). Collection method: clinical testing. Allele origin: germline.
Comment: Advanced modeling of protein sequence and biophysical properties (such as structural, functional, and spatial information, amino acid conservation, physicochemical variation, residue mobility, and thermodynamic stability) performed at Invitae indicates that this missense variant is expected to disrupt CP protein function. In summary, the available evidence is currently insufficient to determine the role of this variant in disease. Therefore, it has been classified as a Variant of Uncertain Significance. This variant has not been reported in the literature in individuals with CP-related conditions. This sequence change replaces alanine with threonine at codon 185 of the CP protein (p.Ala185Thr). The alanine residue is highly conserved and there is a small physicochemical difference between alanine and threonine. This variant is not present in population databases (ExAC no frequency).

NM_000096.4(CP):c.553G>A (p.Ala185Thr)

Gene: CP (ceruloplasmin; minus strand). Cytogenetic location: 3q25.1.
Variant type: single nucleotide variant.
Coding change: c.553G>A on transcript NM_000096.4 (MANE Select); coding-DNA position 553, G replaced by A.
Protein change: p.Ala185Thr; replaces alanine 185 with threonine.
Molecular consequence: missense variant. On other transcripts: non-coding transcript variant (1).
Genome position (GRCh38, 1-based): chr3:149,210,221, C>T on the plus strand (G>A on the coding strand, the complement: CP is on the minus strand). VCF-style: chr3-149210221-C-T. GRCh37 (hg19) VCF-style: chr3-148928008-C-T.
Other names: short protein forms A185T.
Identifiers: ClinVar variation 1420333 (VCV001420333.8), dbSNP rs960307294, ClinGen allele CA85549507.
Genomic context (GRCh38, chr3:149,210,221, plus strand): 5'-ATGTACCTTTTTTACAGATTATTAAAGGTCCGATGAGTCCTGAGGCAATATCTTTTGGAG[C>T]ATCAATGTGGGAATGGTAAATCCTAGTCACACAATTGCCATCTCCTTCCCCAGGACTTTG-3'
Protein context (NP_000087.2, residues 175-195): VTRIYHSHID[Ala185Thr]PKDIASGLIG